The following is an entry in ClinVar:

ClinVar aggregate classification (germline): Uncertain significance. Review status: criteria provided, multiple submitters, no conflicts (2 of 4 stars). 2 submissions from 2 submitters: Uncertain significance (2). Last evaluated 2025-12-03.

Allele frequency attached by ClinVar (database versions not stated): gnomAD exomes 0.00001; TOPMed below 0.00001; gnomAD 0.00001.
gnomAD v4.1: 8 of 1,612,294 alleles (0.0005%); highest among the groups gnomAD compares: Non-Finnish European, 0.00068%; no homozygotes.

Submissions (2):

Labcorp Genetics (formerly Invitae), Labcorp
Classification: Uncertain significance. Last evaluated: 2025-12-03. Review status: criteria provided, single submitter. Criteria: Invitae Variant Classification Sherloc (09022015). Collection method: clinical testing. Allele origin: germline.
Comment: This sequence change replaces glycine, which is neutral and non-polar, with aspartic acid, which is acidic and polar, at codon 133 of the RASA2 protein (p.Gly133Asp). This variant is present in population databases (no rsID available, gnomAD 0.0009%). This variant has not been reported in the literature in individuals affected with RASA2-related conditions. ClinVar contains an entry for this variant (Variation ID: 1736761). Invitae Evidence Modeling of protein sequence and biophysical properties (such as structural, functional, and spatial information, amino acid conservation, physicochemical variation, residue mobility, and thermodynamic stability) indicates that this missense variant is not expected to disrupt RASA2 protein function with a negative predictive value of 80%. In summary, the available evidence is currently insufficient to determine the role of this variant in disease. Therefore, it has been classified as a Variant of Uncertain Significance.

Ambry Genetics
Classification: Uncertain significance. Last evaluated: 2022-04-11. Review status: criteria provided, single submitter. Criteria: Ambry Variant Classification Scheme 2023. Collection method: clinical testing. Allele origin: germline.
Comment: The p.G133D variant (also known as c.398G>A), located in coding exon 4 of the RASA2 gene, results from a G to A substitution at nucleotide position 398. The glycine at codon 133 is replaced by aspartic acid, an amino acid with similar properties. This amino acid position is conserved. In addition, this alteration is predicted to be deleterious by in silico analysis. Since supporting evidence is limited at this time, the clinical significance of this alteration remains unclear.

NM_006506.5(RASA2):c.398G>A (p.Gly133Asp)

Gene: RASA2 (RAS p21 protein activator 2; plus strand). Cytogenetic location: 3q23.
Variant type: single nucleotide variant.
Coding change: c.398G>A on transcript NM_006506.5 (MANE Select); coding-DNA position 398, G replaced by A.
Protein change: p.Gly133Asp; replaces glycine 133 with aspartic acid.
Molecular consequence: missense variant.
Genome position (GRCh38, 1-based): chr3:141,529,750, G>A. VCF-style: chr3-141529750-G-A. GRCh37 (hg19) VCF-style: chr3-141248592-G-A.
Other names: c.398G>A, p.Gly133Asp (NM_001303245.3, NM_001303246.3); short protein forms G133D.
Identifiers: ClinVar variation 1736761 (VCV001736761.4), dbSNP rs1209051733, ClinGen allele CA354772089.